The following is an entry in ClinVar:

NM_000516.7(GNAS):c.*230C>T

Gene: GNAS (GNAS complex locus; plus strand). Cytogenetic location: 20q13.32.
Variant type: single nucleotide variant.
Coding change: c.*230C>T on transcript NM_000516.7 (MANE Select); 230 bases downstream of the stop codon, C replaced by T.
Molecular consequence: 3 prime UTR variant.
Genome position (GRCh38, 1-based): chr20:58,911,059, C>T. VCF-style: chr20-58911059-C-T. GRCh37 (hg19) VCF-style: chr20-57486114-C-T.
Other names: c.*230C>T (NM_001077488.5, NM_001077489.4, NM_001309840.2 and 10 more transcripts); c.*1276C>T (NM_001077490.3); c.*1321C>T (NM_016592.5).
Identifiers: ClinVar variation 4990493 (VCV004990493.1).

ClinVar aggregate classification (germline): Likely benign (1 of 4 stars; one submission).

Conditions:
GNAS-related disorder. Identifiers: MedGen CN380105.

gnomAD v4.1: 12 of 665,246 alleles (0.0018%); highest among the groups gnomAD compares: African/African-American, 0.0088%; no homozygotes.

Submission:

PreventionGenetics, part of Exact Sciences
Classification: Likely benign for GNAS-related condition. Last evaluated: 2024-10-31. Review status: criteria provided, single submitter. Criteria: ACMG Guidelines, 2015. Collection method: clinical testing. Allele origin: germline.
Comment: This variant is classified as likely benign based on ACMG/AMP sequence variant interpretation guidelines (Richards et al. 2015 PMID: 25741868, with internal and published modifications).